The following is an entry in ClinVar:

NM_001127222.2(CACNA1A):c.5401-13G>A

Gene: CACNA1A (calcium voltage-gated channel subunit alpha1 A; minus strand). Cytogenetic location: 19p13.13.
Variant type: single nucleotide variant.
Coding change: c.5401-13G>A on transcript NM_001127222.2 (MANE Select); 13 bases into the intron before coding-DNA position 5401, G replaced by A.
Molecular consequence: intron variant.
Genome position (GRCh38, 1-based): chr19:13,230,222, C>T on the plus strand (G>A on the coding strand, the complement: CACNA1A is on the minus strand). VCF-style: chr19-13230222-C-T. GRCh37 (hg19) VCF-style: chr19-13341036-C-T.
Other names: c.5404-13G>A (NM_001127221.1, NM_001127221.2); c.5410-13G>A (NM_001174080.2); c.5419-13G>A (NM_000068.4, NM_023035.3); c.5401-13G>A (NM_001127222.1).
Identifiers: ClinVar variation 1214802 (VCV001214802.15), dbSNP rs2144622540, ClinGen allele CA2499225384.

ClinVar aggregate classification (germline): Conflicting classifications of pathogenicity. Review status: criteria provided, conflicting classifications (1 of 4 stars). 4 submissions from 4 submitters: Likely pathogenic (1); Uncertain significance (3). Last evaluated 2026-02-13.

Conditions:
CACNA1A-related disorder. Also called: CACNA1A-related condition.
Episodic ataxia type 2 (EA2). Also called: ATAXIA, EPISODIC, WITH NYSTAGMUS; ATAXIA, FAMILIAL PAROXYSMAL; CEREBELLAR ATAXIA, PAROXYSMAL, ACETAZOLAMIDE-RESPONSIVE; CEREBELLOPATHY, HEREDITARY PAROXYSMAL; ACETAZOLAMIDE-RESPONSIVE HEREDITARY PAROXYSMAL CEREBELLAR ATAXIA; EPISODIC ATAXIA, NYSTAGMUS-ASSOCIATED. Identifiers: Orphanet 97, MedGen C1720416, MONDO:0007163, OMIM 108500.
Developmental and epileptic encephalopathy, 42 (DEE42A). Also called: DEVELOPMENTAL AND EPILEPTIC ENCEPHALOPATHY 42A; EPILEPTIC ENCEPHALOPATHY, EARLY INFANTILE, 42A; Epileptic encephalopathy, early infantile, 42. Identifiers: MedGen C4310716, MONDO:0014917, OMIM 617106.
Inborn genetic diseases. Identifiers: MedGen C0950123, MeSH D030342.

Allele frequency attached by ClinVar (database versions not stated): gnomAD exomes below 0.00001.
gnomAD v4.1: 2 of 1,613,308 alleles (0.00012%); highest among the groups gnomAD compares: Non-Finnish European, 0.00017%; no homozygotes.

Submissions (4):

PreventionGenetics, part of Exact Sciences
Classification: Uncertain significance for CACNA1A-related condition. Last evaluated: 2026-02-13. Review status: criteria provided, single submitter. Criteria: ACMG Guidelines, 2015. Collection method: clinical testing. Allele origin: germline.
Comment: The CACNA1A c.5401-13G>A variant is predicted to interfere with splicing. This variant is predicted to alter splicing based on available splicing prediction programs (SpliceAI, Jaganathan et al. 2019. PubMed ID: 30661751). However, the use of computer prediction programs is not equivalent to functional evidence. This variant was reported in an individual with progressive cerebellar ataxia with episodic worsening of symptoms (Schniepp et al. 2011. PubMed ID: 21431381) and in an individual with episodic ataxia (reported as c.5419-13G>A, Olszewska et al. 2023. PubMed ID: 37422902). This variant has not been reported in a large population database (gnomAD), indicating this variant is rare. Although we suspect that this variant may be pathogenic, at this time, the clinical significance of this variant is uncertain due to the absence of conclusive functional and genetic evidence.

GeneDx
Classification: Likely pathogenic. Last evaluated: 2025-11-27. Review status: criteria provided, single submitter. Criteria: GeneDx Variant Classification Process June 2021. Collection method: clinical testing. Allele origin: germline. Affected: yes.
Comment: Reported previously in an individual with progressive gait ataxia and migraines (PMID: 21431381); Not observed at significant frequency in large population cohorts (gnomAD); In silico analysis supports a deleterious effect on splicing; This variant is associated with the following publications: (PMID: 21431381, 37422902)

Ambry Genetics
Classification: Uncertain significance for Inborn genetic diseases. Last evaluated: 2025-10-07. Review status: criteria provided, single submitter. Criteria: Ambry Variant Classification Scheme 2023. Collection method: clinical testing. Allele origin: germline.
Comment: The c.5404-13G>A intronic alteration consists of a G to A substitution 13 nucleotides before exon 36 (coding exon 36) in the CACNA1A gene. This variant was not reported in population-based cohorts in the Genome Aggregation Database (gnomAD). Based on insufficient or conflicting evidence, the clinical significance of this alteration remains unclear.

Labcorp Genetics (formerly Invitae), Labcorp
Classification: Uncertain significance for Developmental and epileptic encephalopathy, 42; Episodic ataxia type 2. Last evaluated: 2024-10-16. Review status: criteria provided, single submitter. Criteria: Invitae Variant Classification Sherloc (09022015). Collection method: clinical testing. Allele origin: germline.
Comment: This sequence change falls in intron 35 of the CACNA1A gene. It does not directly change the encoded amino acid sequence of the CACNA1A protein. This variant is not present in population databases (gnomAD no frequency). This variant has been observed in individual(s) with ataxia and migraines (PMID: 21431381). ClinVar contains an entry for this variant (Variation ID: 1214802). Algorithms developed to predict the effect of sequence changes on RNA splicing suggest that this variant may disrupt the consensus splice site. In summary, the available evidence is currently insufficient to determine the role of this variant in disease. Therefore, it has been classified as a Variant of Uncertain Significance.

Literature cited by the submitters: PubMed 21431381 (cited by Ambry Genetics and Labcorp Genetics (formerly Invitae), Labcorp).